The following is an entry in ClinVar:

ClinVar aggregate classification (germline): Uncertain significance (1 of 4 stars; one submission).

Conditions:
Developmental delay, impaired growth, dysmorphic facies, and axonal neuropathy. Identifiers: MedGen C5436781, MONDO:0030835, OMIM 619090.

Submission:

3billion
Classification: Uncertain significance for Developmental delay, impaired growth, dysmorphic facies, and axonal neuropathy. Last evaluated: 2023-09-11. Review status: criteria provided, single submitter. Criteria: ACMG Guidelines, 2015. Collection method: clinical testing. Allele origin: germline. Affected: yes.
Comment: The variant is not observed in the gnomAD v2.1.1 dataset. Predicted Consequence/Location: Missense changes are a common disease-causing mechanism. In silico tool predictions suggest damaging effect of the variant on gene or gene product [REVEL: 0.86 (>=0.6, sensitivity 0.68 and specificity 0.92); 3Cnet: 0.99 (>=0.6, sensitivity 0.72 and precision 0.9)]. Therefore, this variant is classified as VUS according to the recommendation of ACMG/AMP guideline.

NM_001303256.3(MORC2):c.742T>C (p.Tyr248His)

Gene: MORC2 (MORC family CW-type zinc finger 2; minus strand). Cytogenetic location: 22q12.2.
Variant type: single nucleotide variant.
Coding change: c.742T>C on transcript NM_001303256.3 (MANE Select); coding-DNA position 742, T replaced by C.
Protein change: p.Tyr248His; replaces tyrosine 248 with histidine.
Molecular consequence: missense variant.
Genome position (GRCh38, 1-based): chr22:30,941,515, A>G on the plus strand (T>C on the coding strand, the complement: MORC2 is on the minus strand). VCF-style: chr22-30941515-A-G. GRCh37 (hg19) VCF-style: chr22-31337502-A-G.
Other names: c.742T>C, p.Tyr248His (NM_001303257.2); c.556T>C, p.Tyr186His (NM_014941.3); short protein forms Y186H, Y248H.
Identifiers: ClinVar variation 3776292 (VCV003776292.1).